The following is an entry in ClinVar:

NM_000349.3(STAR):c.60dup (p.Lys21fs)

Gene: STAR (steroidogenic acute regulatory protein; minus strand). Cytogenetic location: 8p11.23.
Variant type: Duplication.
Coding change: c.60dup on transcript NM_000349.3 (MANE Select); coding-DNA position 60, one base duplicated (G; older notation c.60dupG).
Protein change: p.Lys21fs; shifts the reading frame from lysine 21.
Molecular consequence: frameshift variant.
Genome position (GRCh38, 1-based): chr8:38,150,759, C duplicated on the plus strand (G on the coding strand, the reverse complement: STAR is on the minus strand). VCF-style (leftmost placement, unchanged base first): chr8-38150758-T-TC. GRCh37 (hg19) VCF-style: chr8-38008276-T-TC.
Other names: short protein forms K21fs.
Identifiers: ClinVar variation 2840692 (VCV002840692.3), dbSNP rs2487074150, ClinGen allele CA2739278221.

ClinVar aggregate classification (germline): Pathogenic (1 of 4 stars; one submission).

Submission:

Labcorp Genetics (formerly Invitae), Labcorp
Classification: Pathogenic. Last evaluated: 2023-02-25. Review status: criteria provided, single submitter. Criteria: Invitae Variant Classification Sherloc (09022015). Collection method: clinical testing. Allele origin: germline.
Comment: For these reasons, this variant has been classified as Pathogenic. This variant has not been reported in the literature in individuals affected with STAR-related conditions. This variant is not present in population databases (gnomAD no frequency). This sequence change creates a premature translational stop signal (p.Lys21Glufs*26) in the STAR gene. It is expected to result in an absent or disrupted protein product. Loss-of-function variants in STAR are known to be pathogenic (PMID: 8948562).

Literature cited by the submitters: PubMed 8948562.